The following is an entry in ClinVar:

ClinVar aggregate classification (germline): Pathogenic (0 of 4 stars; one submission).

Conditions:
Pyruvate dehydrogenase E1-alpha deficiency (PDHAD). Also called: ATAXIA, INTERMITTENT, WITH PYRUVATE DEHYDROGENASE DEFICIENCY; ATAXIA WITH LACTIC ACIDOSIS I; ATAXIA, INTERMITTENT, WITH ABNORMAL PYRUVATE METABOLISM; Ataxia, intermittent, with pyruvate dehydrogenase, or decarboxylase, deficiency. Identifiers: Orphanet 79243, MedGen C1839413, MONDO:0010717, OMIM 312170.

Submission:

PDHA1 Study Group, University Children’s Hospital, Paracelsus Medical University
Classification: Pathogenic for Pyruvate dehydrogenase E1-alpha deficiency. Last evaluated: 2024-10-15. Review status: no assertion criteria provided. Collection method: research. Allele origin: de novo. Affected: yes. Observed: 1 variant allele.
Comment: The NM_000284.3:c.449G>A (p.Gly150Glu) substitution is a missense variant in PDHA1 gene. Among them, 1 case had confirmed de novo occurrence. The variant has been reported in 1 published case (PMIDs: 21723463). Last literature search: July 12, 2024. This variant is absent or extremely rare in population-based cohorts in the Genome Aggregation Database (gnomAD). Individuals harboring this variant presented with clinical features compatible with PDHA1-related PDHc deficiency. In summary, this variant meets criteria to be classified as pathogenic (P) for PDHA1-related PDHc deficiency based on the ACMG/AMP criteria applied: PS2, PM1, PM2, PM7, PP3 (last assessment October 15, 2024).

Literature cited by the submitters: PubMed 21723463; DOI 10.1093/brain/awaf430.

NM_000284.4(PDHA1):c.449G>A (p.Gly150Glu)

Gene: PDHA1 (pyruvate dehydrogenase E1 subunit alpha 1; plus strand). Cytogenetic location: Xp22.12.
Variant type: single nucleotide variant.
Coding change: c.449G>A on transcript NM_000284.4 (MANE Select); coding-DNA position 449, G replaced by A.
Protein change: p.Gly150Glu; replaces glycine 150 with glutamic acid.
Molecular consequence: missense variant.
Genome position (GRCh38, 1-based): chrX:19,353,112, G>A. VCF-style: chrX-19353112-G-A. GRCh37 (hg19) VCF-style: chrX-19371230-G-A.
Other names: c.470G>A, p.Gly157Glu (NM_001173455.2); c.449G>A, p.Gly150Glu (NM_001173456.2); c.563G>A, p.Gly188Glu (NM_001173454.2); short protein forms G150E, G157E, G188E.
Identifiers: ClinVar variation 4070324 (VCV004070324.1).